The following is an entry in ClinVar:

NM_005419.4(STAT2):c.1984C>T (p.Arg662Cys)

Gene: STAT2 (signal transducer and activator of transcription 2; minus strand). Cytogenetic location: 12q13.3.
Variant type: single nucleotide variant.
Coding change: c.1984C>T on transcript NM_005419.4 (MANE Select); coding-DNA position 1984, C replaced by T.
Protein change: p.Arg662Cys; replaces arginine 662 with cysteine.
Molecular consequence: missense variant.
Genome position (GRCh38, 1-based): chr12:56,346,502, G>A on the plus strand (C>T on the coding strand, the complement: STAT2 is on the minus strand). VCF-style: chr12-56346502-G-A. GRCh37 (hg19) VCF-style: chr12-56740286-G-A.
Other names: c.1984C>T (NM_005419.3); c.1951C>T, p.Arg651Cys (NM_001385110.1); c.1885C>T, p.Arg629Cys (NM_001385111.1); c.1984C>T, p.Arg662Cys (NM_001385113.1); c.1963C>T, p.Arg655Cys (NM_001385114.1); c.1942C>T, p.Arg648Cys (NM_001385115.1); c.1972C>T, p.Arg658Cys (NM_198332.2); short protein forms R629C, R648C, R662C, R651C, R655C, R658C.
Identifiers: ClinVar variation 1983179 (VCV001983179.5), dbSNP rs747223187, ClinGen allele CA6630352.

ClinVar aggregate classification (germline): Uncertain significance. Review status: criteria provided, multiple submitters, no conflicts (2 of 4 stars). 3 submissions from 3 submitters: Uncertain significance (3). Last evaluated 2026-01-13.

Conditions:
Primary immunodeficiency with post-measles-mumps-rubella vaccine viral infection. Also called: Immunodeficiency 44. Identifiers: Orphanet 431166, MedGen C4225260, MONDO:0014715, OMIM 616636.

Allele frequency attached by ClinVar (database versions not stated): gnomAD exomes 0.00001; gnomAD 0.00002; TOPMed 0.00003; ExAC 0.00001.
gnomAD v4.1: 18 of 1,614,094 alleles (0.0011%); highest among the groups gnomAD compares: East Asian, 0.0045%; no homozygotes.

Submissions (3):

Labcorp Genetics (formerly Invitae), Labcorp
Classification: Uncertain significance for Primary immunodeficiency with post-measles-mumps-rubella vaccine viral infection. Last evaluated: 2026-01-13. Review status: criteria provided, single submitter. Criteria: Invitae Variant Classification Sherloc (09022015). Collection method: clinical testing. Allele origin: germline.
Comment: This sequence change replaces arginine, which is basic and polar, with cysteine, which is neutral and slightly polar, at codon 662 of the STAT2 protein (p.Arg662Cys). This variant is present in population databases (rs747223187, gnomAD 0.004%). This variant has not been reported in the literature in individuals affected with STAT2-related conditions. ClinVar contains an entry for this variant (Variation ID: 1983179). Invitae Evidence Modeling of protein sequence and biophysical properties (such as structural, functional, and spatial information, amino acid conservation, physicochemical variation, residue mobility, and thermodynamic stability) indicates that this missense variant is not expected to disrupt STAT2 protein function with a negative predictive value of 80%. In summary, the available evidence is currently insufficient to determine the role of this variant in disease. Therefore, it has been classified as a Variant of Uncertain Significance.

Women's Health and Genetics/Laboratory Corporation of America, LabCorp
Classification: Uncertain significance. Last evaluated: 2025-04-02. Review status: criteria provided, single submitter. Criteria: LabCorp Variant Classification Summary - May 2015. Collection method: clinical testing. Allele origin: germline.
Comment: Variant summary: STAT2 c.1984C>T (p.Arg662Cys) results in a non-conservative amino acid change in the encoded protein sequence. Three of five in-silico tools predict a benign effect of the variant on protein function. The variant allele was found at a frequency of 8e-06 in 251448 control chromosomes. The available data on variant occurrences in the general population are insufficient to allow any conclusion about variant significance. To our knowledge, no occurrence of c.1984C>T in individuals affected with Primary immunodeficiency with post-measles-mumps-rubella vaccine viral infection and no experimental evidence demonstrating its impact on protein function have been reported. ClinVar contains an entry for this variant (Variation ID: 1983179). Based on the evidence outlined above, the variant was classified as uncertain significance.

GeneDx
Classification: Uncertain significance. Last evaluated: 2023-04-03. Review status: criteria provided, single submitter. Criteria: GeneDx Variant Classification Process June 2021. Collection method: clinical testing. Allele origin: germline. Affected: yes.
Comment: In silico analysis supports that this missense variant has a deleterious effect on protein structure/function; Has not been previously published as pathogenic or benign to our knowledge